The following is an entry in ClinVar:

NM_005876.5(SPEG):c.4794C>T (p.Ser1598=)

Gene: SPEG (striated muscle enriched protein kinase; plus strand). Cytogenetic location: 2q35.
Variant type: single nucleotide variant.
Coding change: c.4794C>T on transcript NM_005876.5 (MANE Select); coding-DNA position 4794, C replaced by T.
Protein change: p.Ser1598=; no amino-acid change (serine 1598 retained).
Molecular consequence: synonymous variant.
Genome position (GRCh38, 1-based): chr2:219,477,753, C>T. VCF-style: chr2-219477753-C-T. GRCh37 (hg19) VCF-style: chr2-220342475-C-T.
Other names: c.4794C>T (NM_005876.4).
Identifiers: ClinVar variation 1627732 (VCV001627732.10), dbSNP rs774836908, ClinGen allele CA2126626.

ClinVar aggregate classification (germline): Likely benign. Review status: criteria provided, single submitter (1 of 4 stars). 2 submissions from 2 submitters: Likely benign (1). 1 of the submissions does not count toward it. Last evaluated 2024-04-07.

Conditions:
SPEG-related disorder. Also called: SPEG-related condition.

Allele frequency attached by ClinVar (database versions not stated): gnomAD exomes 0.00001; TOPMed 0.00001; ExAC 0.00002; gnomAD 0.00002 and 0.00003.
gnomAD v4.1: 9 of 1,609,322 alleles (0.00056%); highest among the groups gnomAD compares: African/African-American, 0.0053%; no homozygotes.

Submissions (2):

Labcorp Genetics (formerly Invitae), Labcorp
Classification: Likely benign. Last evaluated: 2024-04-07. Review status: criteria provided, single submitter. Criteria: Invitae Variant Classification Sherloc (09022015). Collection method: clinical testing. Allele origin: germline.

PreventionGenetics, part of Exact Sciences
Classification: Likely benign for SPEG-related condition. Last evaluated: 2019-06-07. Review status: no assertion criteria provided. Collection method: clinical testing. Allele origin: germline. Not counted in ClinVar's aggregate classification.
Comment: This variant is classified as likely benign based on ACMG/AMP sequence variant interpretation guidelines (Richards et al. 2015 PMID: 25741868, with internal and published modifications).